The following is an entry in ClinVar:

ClinVar aggregate classification (germline): Uncertain significance (1 of 4 stars; one submission).

Allele frequency attached by ClinVar (database versions not stated): TOPMed below 0.00001; gnomAD 0.00001; gnomAD exomes 0.00001.

Submission:

Labcorp Genetics (formerly Invitae), Labcorp
Classification: Uncertain significance. Last evaluated: 2024-06-17. Review status: criteria provided, single submitter. Criteria: Invitae Variant Classification Sherloc (09022015). Collection method: clinical testing. Allele origin: germline.
Comment: This sequence change replaces glutamine, which is neutral and polar, with proline, which is neutral and non-polar, at codon 999 of the RNF31 protein (p.Gln999Pro). This variant is present in population databases (no rsID available, gnomAD 0.002%). This variant has not been reported in the literature in individuals affected with RNF31-related conditions. ClinVar contains an entry for this variant (Variation ID: 1386623). An algorithm developed to predict the effect of missense changes on protein structure and function (PolyPhen-2) suggests that this variant is likely to be disruptive. In summary, the available evidence is currently insufficient to determine the role of this variant in disease. Therefore, it has been classified as a Variant of Uncertain Significance.

NM_017999.5(RNF31):c.2996A>C (p.Gln999Pro)

Gene: RNF31 (ring finger protein 31; plus strand). Cytogenetic location: 14q12.
Variant type: single nucleotide variant.
Coding change: c.2996A>C on transcript NM_017999.5 (MANE Select); coding-DNA position 2996, A replaced by C.
Protein change: p.Gln999Pro; replaces glutamine 999 with proline.
Molecular consequence: missense variant.
Genome position (GRCh38, 1-based): chr14:24,159,960, A>C. VCF-style: chr14-24159960-A-C. GRCh37 (hg19) VCF-style: chr14-24629169-A-C.
Other names: c.2543A>C, p.Gln848Pro (NM_001310332.2); short protein forms Q848P, Q999P.
Identifiers: ClinVar variation 1386623 (VCV001386623.8), dbSNP rs959784563, ClinGen allele CA257863571.